The following is an entry in ClinVar:

ClinVar aggregate classification (germline): Uncertain significance (1 of 4 stars; one submission).

Submission:

Labcorp Genetics (formerly Invitae), Labcorp
Classification: Uncertain significance. Last evaluated: 2024-10-30. Review status: criteria provided, single submitter. Criteria: Invitae Variant Classification Sherloc (09022015). Collection method: clinical testing. Allele origin: germline.
Comment: This sequence change falls in intron 4 of the TJP2 gene. It does not directly change the encoded amino acid sequence of the TJP2 protein. It affects a nucleotide within the consensus splice site. This variant is not present in population databases (gnomAD no frequency). This variant has not been reported in the literature in individuals affected with TJP2-related conditions. Variants that disrupt the consensus splice site are a relatively common cause of aberrant splicing (PMID: 17576681, 9536098). Algorithms developed to predict the effect of sequence changes on RNA splicing suggest that this variant may disrupt the consensus splice site. In summary, the available evidence is currently insufficient to determine the role of this variant in disease. Therefore, it has been classified as a Variant of Uncertain Significance.

Literature cited by the submitters: PubMed 17576681; PubMed 9536098.

NM_004817.4(TJP2):c.342+5G>A

Gene: TJP2 (tight junction protein 2; plus strand). Cytogenetic location: 9q21.11.
Variant type: single nucleotide variant.
Coding change: c.342+5G>A on transcript NM_004817.4 (MANE Select); 5 bases into the intron after coding-DNA position 342, G replaced by A.
Molecular consequence: intron variant.
Genome position (GRCh38, 1-based): chr9:69,218,364, G>A. VCF-style: chr9-69218364-G-A. GRCh37 (hg19) VCF-style: chr9-71833280-G-A.
Other names: c.273+5G>A (NM_001170414.2, NM_001369870.1, NM_001369871.1); c.342+5G>A (NM_201629.3, NM_001369872.1, NM_001369873.1); c.354+5G>A (NM_001170415.1, NM_001369875.1, NM_001369874.1); c.435+5G>A (NM_001170416.2).
Identifiers: ClinVar variation 3681587 (VCV003681587.2).
Genomic context (GRCh38, chr9:69,218,364, plus strand): 5'-TGCTTCATTCGTTTGCAGTTCAGCAGCTCAGAAAAAGTGGGAAGGTCGCTGCTATTGTAA[G>A]TACTGGGTTTGCTTTCAGCTTGCCTTAATAGCATTTTGGTTTTTTGCCCAGAAGAAAATT-3'